The following is an entry in ClinVar:

ClinVar aggregate classification (germline): Uncertain significance (1 of 4 stars; one submission).

Conditions:
Hereditary cancer-predisposing syndrome. Also called: Neoplastic Syndromes, Hereditary; Tumor predisposition; Hereditary neoplastic syndrome; Hereditary Cancer Syndrome. Identifiers: Orphanet 140162, MedGen C0027672, MeSH D009386, MONDO:0015356.

Submission:

Ambry Genetics
Classification: Uncertain significance for Hereditary cancer-predisposing syndrome. Last evaluated: 2023-10-01. Review status: criteria provided, single submitter. Criteria: Ambry Variant Classification Scheme 2023. Collection method: clinical testing. Allele origin: germline.
Comment: The p.A1229S variant (also known as c.3685G>T), located in coding exon 24 of the RAD50 gene, results from a G to T substitution at nucleotide position 3685. The alanine at codon 1229 is replaced by serine, an amino acid with similar properties. This amino acid position is conserved. In addition, the in silico prediction for this alteration is inconclusive. Since supporting evidence is limited at this time, the clinical significance of this alteration remains unclear.

NM_005732.4(RAD50):c.3685G>T (p.Ala1229Ser)

Genes: TH2LCRR (T helper type 2 locus control region associated RNA; minus strand), TH2-LCR (Th2 cytokine locus control region; plus strand), RAD50 (RAD50 double strand break repair protein; plus strand). Cytogenetic location: 5q31.1.
Variant type: single nucleotide variant.
Coding change: c.3685G>T on transcript NM_005732.4 (MANE Select); coding-DNA position 3685, G replaced by T.
Protein change: p.Ala1229Ser; replaces alanine 1229 with serine.
Molecular consequence: missense variant.
Genome position (GRCh38, 1-based): chr5:132,640,738, G>T. VCF-style: chr5-132640738-G-T. GRCh37 (hg19) VCF-style: chr5-131976430-G-T.
Other names: short protein forms A1229S.
Identifiers: ClinVar variation 3224982 (VCV003224982.1), dbSNP rs2149865690, ClinGen allele CA360934310.
Genomic context (GRCh38, chr5:132,640,738, plus strand): 5'-GCCTCACTCATCATTCGCCTGGCCCTGGCTGAAACGTTCTGCCTCAACTGTGGCATCATT[G>T]CCTTGGATGAGCCAACAACAAATCTTGACCGAGAAAACATTGAATCTCTTGCACATGCTC-3'
Protein context (NP_005723.2, residues 1219-1239): ETFCLNCGII[Ala1229Ser]LDEPTTNLDR